The following is an entry in ClinVar:

ClinVar aggregate classification (germline): Likely pathogenic (1 of 4 stars; one submission).

Conditions:
Cholestasis, progressive familial intrahepatic, 7, with or without hearing loss. Identifiers: MedGen C5562043, MONDO:0030503, OMIM 619658.

Allele frequency attached by ClinVar (database versions not stated): ExAC 0.00001; gnomAD exomes 0.00001.
gnomAD v4.1: 3 of 1,603,554 alleles (0.00019%); highest among the groups gnomAD compares: South Asian, 0.0034%; no homozygotes.

Submission:

Neuberg Centre For Genomic Medicine, NCGM
Classification: Likely pathogenic for Cholestasis, progressive familial intrahepatic, 7, with or without hearing loss. Last evaluated: 2023-05-20. Review status: criteria provided, single submitter. Criteria: ACMG Guidelines, 2015. Collection method: clinical testing. Allele origin: germline. Inheritance: Autosomal recessive inheritance. Affected: yes.
Comment: The observed splice acceptor variant c.570-1G>A in USP53 gene has not been reported previously as a pathogenic variant nor as a benign variant, to our knowledge. The c.570-1G>A variant has 0.001% allele frequency in gnomAD Exomes. The variant is predicted to be damaging by SpliceAI Prediction. The variant affects the AG acceptor splice site upstream to exon 9. This variant is predicted to cause loss of normal protein function through protein truncation. Loss of function variants have been previously reported to be disease causing (Zhang J, et al., 2020). For these reasons, this variant has been classified as Likely Pathogenic.

NM_001371395.1(USP53):c.570-1G>A

Gene: USP53 (ubiquitin specific peptidase 53; plus strand). Cytogenetic location: 4q26.
Variant type: single nucleotide variant.
Coding change: c.570-1G>A on transcript NM_001371395.1 (MANE Select); the canonical splice acceptor site of the intron before coding-DNA position 570, G replaced by A.
Molecular consequence: splice acceptor variant.
Genome position (GRCh38, 1-based): chr4:119,259,819, G>A. VCF-style: chr4-119259819-G-A. GRCh37 (hg19) VCF-style: chr4-120180974-G-A.
Other names: c.570-1G>A (NM_019050.3, NM_001389661.1, NM_001389658.1 and 6 more transcripts); c.222-1G>A (NM_001389663.1, NM_001389667.1, NM_001389664.1 and 3 more transcripts).
Identifiers: ClinVar variation 2671670 (VCV002671670.4), dbSNP rs770909166, ClinGen allele CA3058964.
Genomic context (GRCh38, chr4:119,259,819, plus strand): 5'-GTGTAATTTATTAAAGTTTTAAGTTCATAGGCCAGATTTGGGATTGCTTCTTTTTTTGTA[G>A]CAATGAGGTTGAAAGAATGTTGGAAAGGCATGAACGCTTTAAACCTGAAATGTTTGCAGA-3'